The following is an entry in ClinVar:

NM_016292.3(TRAP1):c.1345C>T (p.Arg449Trp)

Gene: TRAP1 (TNF receptor associated protein 1; minus strand). Cytogenetic location: 16p13.3.
Variant type: single nucleotide variant.
Coding change: c.1345C>T on transcript NM_016292.3 (MANE Select); coding-DNA position 1345, C replaced by T.
Protein change: p.Arg449Trp; replaces arginine 449 with tryptophan.
Molecular consequence: missense variant.
Genome position (GRCh38, 1-based): chr16:3,666,009, G>A on the plus strand (C>T on the coding strand, the complement: TRAP1 is on the minus strand). VCF-style: chr16-3666009-G-A. GRCh37 (hg19) VCF-style: chr16-3716010-G-A.
Other names: c.1186C>T, p.Arg396Trp (NM_001272049.2); short protein forms R396W, R449W.
Identifiers: ClinVar variation 2903534 (VCV002903534.3), dbSNP rs372752452, ClinGen allele CA7868143.

ClinVar aggregate classification (germline): Uncertain significance (1 of 4 stars; one submission).

Submission:

Labcorp Genetics (formerly Invitae), Labcorp
Classification: Uncertain significance. Last evaluated: 2025-05-04. Review status: criteria provided, single submitter. Criteria: Invitae Variant Classification Sherloc (09022015). Collection method: clinical testing. Allele origin: germline.
Comment: This sequence change replaces arginine, which is basic and polar, with tryptophan, which is neutral and slightly polar, at codon 449 of the TRAP1 protein (p.Arg449Trp). This variant is present in population databases (rs372752452, gnomAD 0.006%). This variant has not been reported in the literature in individuals affected with TRAP1-related conditions. ClinVar contains an entry for this variant (Variation ID: 2903534). Invitae Evidence Modeling of protein sequence and biophysical properties (such as structural, functional, and spatial information, amino acid conservation, physicochemical variation, residue mobility, and thermodynamic stability) indicates that this missense variant is expected to disrupt TRAP1 protein function with a positive predictive value of 80%. In summary, the available evidence is currently insufficient to determine the role of this variant in disease. Therefore, it has been classified as a Variant of Uncertain Significance.